The following is an entry in ClinVar:

ClinVar aggregate classification (germline): Uncertain significance (1 of 4 stars; one submission).

Conditions:
Charcot-Marie-Tooth disease type 2. Also called: Charcot-Marie-Tooth type 2. Identifiers: Orphanet 64746, MedGen C0270914, MONDO:0018993.

Submission:

Labcorp Genetics (formerly Invitae), Labcorp
Classification: Uncertain significance for Charcot-Marie-Tooth disease type 2. Last evaluated: 2022-08-21. Review status: criteria provided, single submitter. Criteria: Invitae Variant Classification Sherloc (09022015). Collection method: clinical testing. Allele origin: germline.
Comment: In summary, the available evidence is currently insufficient to determine the role of this variant in disease. Therefore, it has been classified as a Variant of Uncertain Significance. Algorithms developed to predict the effect of missense changes on protein structure and function (SIFT, PolyPhen-2, Align-GVGD) all suggest that this variant is likely to be disruptive. This variant has not been reported in the literature in individuals affected with LMNA-related conditions. This variant is not present in population databases (gnomAD no frequency). This sequence change replaces leucine, which is neutral and non-polar, with glutamine, which is neutral and polar, at codon 363 of the LMNA protein (p.Leu363Gln).

NM_170707.4(LMNA):c.1088T>A (p.Leu363Gln)

Gene: LMNA (lamin A/C; plus strand). Cytogenetic location: 1q22.
Variant type: single nucleotide variant.
Coding change: c.1088T>A on transcript NM_170707.4 (MANE Select); coding-DNA position 1088, T replaced by A.
Protein change: p.Leu363Gln; replaces leucine 363 with glutamine.
Molecular consequence: missense variant.
Genome position (GRCh38, 1-based): chr1:156,136,052, T>A. VCF-style: chr1-156136052-T-A. GRCh37 (hg19) VCF-style: chr1-156105843-T-A.
Other names: c.752T>A, p.Leu251Gln (NM_001257374.3, NM_001406989.1, NM_001406998.1); c.845T>A, p.Leu282Gln (NM_001282624.2, NM_001406986.1, NM_001406987.1); c.1088T>A, p.Leu363Gln (NM_001282625.2, NM_001282626.2, NM_001406983.1 and 6 more transcripts); c.791T>A, p.Leu264Gln (NM_001406988.1); c.530T>A, p.Leu177Gln (NM_001406990.1, NM_001406993.1, NM_001406995.1 and 4 more transcripts); c.464T>A, p.Leu155Gln (NM_001406994.1, NM_001406999.1, NM_001407000.1 and 1 more transcripts); short protein forms L155Q, L177Q, L251Q, L264Q, L282Q, L363Q.
Identifiers: ClinVar variation 1717360 (VCV001717360.5), dbSNP rs2527992364, ClinGen allele CA342820380.
Genomic context (GRCh38, chr1:156,136,052, plus strand): 5'-GGGAGATGGCCGAGATGCGGGCAAGGATGCAGCAGCAGCTGGACGAGTACCAGGAGCTTC[T>A]GGACATCAAGCTGGCCCTGGACATGGAGATCCACGCCTACCGCAAGCTCTTGGAGGGCGA-3'
Protein context (NP_733821.1, residues 353-373): QQQLDEYQEL[Leu363Gln]DIKLALDMEI